The following is an entry in ClinVar:

NM_001046.3(SLC12A2):c.881G>A (p.Arg294His)

Gene: SLC12A2 (solute carrier family 12 member 2; plus strand). Cytogenetic location: 5q23.3.
Variant type: single nucleotide variant.
Coding change: c.881G>A on transcript NM_001046.3 (MANE Select); coding-DNA position 881, G replaced by A.
Protein change: p.Arg294His; replaces arginine 294 with histidine.
Molecular consequence: missense variant. On other transcripts: non-coding transcript variant (1).
Genome position (GRCh38, 1-based): chr5:128,114,216, G>A. VCF-style: chr5-128114216-G-A. GRCh37 (hg19) VCF-style: chr5-127449908-G-A.
Other names: c.881G>A, p.Arg294His (NM_001256461.2); short protein forms R294H.
Identifiers: ClinVar variation 1505967 (VCV001505967.7), dbSNP rs1484832467, ClinGen allele CA360738089.
Genomic context (GRCh38, chr5:128,114,216, plus strand): 5'-TATAATGTTTGATTATTCTTCTTCCTCTGTGTCTTGGCCTCTTTTTCCCTCTTTAGGTAC[G>A]TTGTATGTTAAACATTTGGGGTGTGATGCTTTTCATTAGATTGTCATGGATTGTGGGTCA-3'
Protein context (NP_001037.1, residues 284-304): KFGWIKGVLV[Arg294His]CMLNIWGVML

ClinVar aggregate classification (germline): Uncertain significance. Review status: criteria provided, multiple submitters, no conflicts (2 of 4 stars). 2 submissions from 2 submitters: Uncertain significance (2). Last evaluated 2023-07-17.

Conditions:
Hearing loss, autosomal dominant 78. Also called: DEAFNESS, AUTOSOMAL DOMINANT 78. Identifiers: MedGen C5436768, MONDO:0033665, OMIM 619081.
Delpire-McNeill syndrome. Also called: SLC12A2-related autosomal dominant infantile-developmental delay-intellectual disability-sensorineural deafness syndrome. Identifiers: Orphanet 633024, MedGen C5436771, MONDO:0033667, OMIM 619083.
Kilquist syndrome (KILQS). Also called: SLC12A2-related autosomal recessive neonatal-developmental delay-intellectual disability-feeding difficulty-sensorineural deafness syndrome. Identifiers: Orphanet 633021, MedGen C5436756, MONDO:0033664, OMIM 619080.

Allele frequency attached by ClinVar (database versions not stated): TOPMed 0.00002.
gnomAD v4.1: 4 of 1,611,886 alleles (0.00025%); highest among the groups gnomAD compares: Admixed American, 0.0017%; no homozygotes.

Submissions (2):

Labcorp Genetics (formerly Invitae), Labcorp
Classification: Uncertain significance. Last evaluated: 2023-07-17. Review status: criteria provided, single submitter. Criteria: Invitae Variant Classification Sherloc (09022015). Collection method: clinical testing. Allele origin: germline.
Comment: In summary, the available evidence is currently insufficient to determine the role of this variant in disease. Therefore, it has been classified as a Variant of Uncertain Significance. Advanced modeling of protein sequence and biophysical properties (such as structural, functional, and spatial information, amino acid conservation, physicochemical variation, residue mobility, and thermodynamic stability) performed at Invitae indicates that this missense variant is expected to disrupt SLC12A2 protein function. ClinVar contains an entry for this variant (Variation ID: 1505967). This missense change has been observed in individual(s) with clinical features of autosomal dominant SLC12A2-related neurodevelopmental disorder (Invitae). The frequency data for this variant in the population databases is considered unreliable, as metrics indicate poor data quality at this position in the gnomAD database. This sequence change replaces arginine, which is basic and polar, with histidine, which is basic and polar, at codon 294 of the SLC12A2 protein (p.Arg294His).

Fulgent Genetics
Classification: Uncertain significance for Kilquist syndrome; Hearing loss, autosomal dominant 78; Delpire-McNeill syndrome. Last evaluated: 2022-05-20. Review status: criteria provided, single submitter. Criteria: ACMG Guidelines, 2015. Collection method: clinical testing. Allele origin: unknown.